The following is an entry in ClinVar:

NM_000081.4(LYST):c.11039-12T>C

Gene: LYST (lysosomal trafficking regulator; minus strand). Cytogenetic location: 1q42.3.
Variant type: single nucleotide variant.
Coding change: c.11039-12T>C on transcript NM_000081.4 (MANE Select); 12 bases into the intron before coding-DNA position 11039, T replaced by C.
Molecular consequence: intron variant.
Genome position (GRCh38, 1-based): chr1:235,664,633, A>G on the plus strand (T>C on the coding strand, the complement: LYST is on the minus strand). VCF-style: chr1-235664633-A-G. GRCh37 (hg19) VCF-style: chr1-235827933-A-G.
Other names: c.11039-12T>C (NM_001301365.1).
Identifiers: ClinVar variation 1895499 (VCV001895499.2), dbSNP rs892233242, ClinGen allele CA39755256.

ClinVar aggregate classification (germline): Uncertain significance (1 of 4 stars; one submission).

Conditions:
Chédiak-Higashi syndrome (CHS). Also called: Chediak-Higashi Syndrome. Identifiers: Orphanet 167, MedGen C0007965, MONDO:0008963, OMIM 214500.

Allele frequency attached by ClinVar (database versions not stated): gnomAD 0.00001; gnomAD exomes 0.00001; TOPMed 0.00001.
gnomAD v4.1: 4 of 1,613,934 alleles (0.00025%); highest among the groups gnomAD compares: Admixed American, 0.0067%; no homozygotes.

Submission:

Labcorp Genetics (formerly Invitae), Labcorp
Classification: Uncertain significance for Chédiak-Higashi syndrome. Last evaluated: 2022-06-01. Review status: criteria provided, single submitter. Criteria: Invitae Variant Classification Sherloc (09022015). Collection method: clinical testing. Allele origin: germline.
Comment: This sequence change falls in intron 50 of the LYST gene. It does not directly change the encoded amino acid sequence of the LYST protein. This variant is present in population databases (no rsID available, gnomAD 0.003%). This variant has not been reported in the literature in individuals affected with LYST-related conditions. Algorithms developed to predict the effect of sequence changes on RNA splicing suggest that this variant may create or strengthen a splice site. In summary, the available evidence is currently insufficient to determine the role of this variant in disease. Therefore, it has been classified as a Variant of Uncertain Significance.